The following is an entry in ClinVar:

ClinVar aggregate classification (germline): Uncertain significance (1 of 4 stars; one submission).

gnomAD v4.1: 2 of 1,611,976 alleles (0.00012%); highest among the groups gnomAD compares: Admixed American, 0.0017%; no homozygotes.

Submission:

Labcorp Genetics (formerly Invitae), Labcorp
Classification: Uncertain significance. Last evaluated: 2025-11-27. Review status: criteria provided, single submitter. Criteria: Invitae Variant Classification Sherloc (09022015). Collection method: clinical testing. Allele origin: germline.
Comment: This sequence change replaces cysteine, which is neutral and slightly polar, with phenylalanine, which is neutral and non-polar, at codon 329 of the MMP9 protein (p.Cys329Phe). This variant is not present in population databases (gnomAD no frequency). This variant has not been reported in the literature in individuals affected with MMP9-related conditions. Invitae Evidence Modeling of protein sequence and biophysical properties (such as structural, functional, and spatial information, amino acid conservation, physicochemical variation, residue mobility, and thermodynamic stability) indicates that this missense variant is expected to disrupt MMP9 protein function with a positive predictive value of 80%. In summary, the available evidence is currently insufficient to determine the role of this variant in disease. Therefore, it has been classified as a Variant of Uncertain Significance.

NM_004994.3(MMP9):c.986G>T (p.Cys329Phe)

Gene: MMP9 (matrix metallopeptidase 9; plus strand). Cytogenetic location: 20q13.12.
Variant type: single nucleotide variant.
Coding change: c.986G>T on transcript NM_004994.3 (MANE Select); coding-DNA position 986, G replaced by T.
Protein change: p.Cys329Phe; replaces cysteine 329 with phenylalanine.
Molecular consequence: missense variant.
Genome position (GRCh38, 1-based): chr20:46,011,736, G>T. VCF-style: chr20-46011736-G-T. GRCh37 (hg19) VCF-style: chr20-44640375-G-T.
Other names: short protein forms C329F.
Identifiers: ClinVar variation 4700783 (VCV004700783.1).
Genomic context (GRCh38, chr20:46,011,736, plus strand): 5'-ACGGCTACCGCTGGTGCGCCACCACCGCCAACTACGACCGGGACAAGCTCTTCGGCTTCT[G>T]CCCGACCCGAGGTACCTCCACCCTGTCTACCAGGTTCAGCCCCGCCCTCTCATCATGTAT-3'
Protein context (NP_004985.2, residues 319-339): NYDRDKLFGF[Cys329Phe]PTRADSTVMG